The following is an entry in ClinVar:

NM_001267550.2(TTN):c.83297C>A (p.Ser27766Ter)

Genes: TTN (titin; minus strand), TTN-AS1 (TTN antisense RNA 1; plus strand). Cytogenetic location: 2q31.2.
Variant type: single nucleotide variant.
Coding change: c.83297C>A on transcript NM_001267550.2 (MANE Select); coding-DNA position 83297, C replaced by A.
Protein change: p.Ser27766Ter; replaces serine 27766 with a stop codon.
Molecular consequence: nonsense.
Genome position (GRCh38, 1-based): chr2:178,562,835, G>T on the plus strand (C>A on the coding strand, the complement: TTN is on the minus strand). VCF-style: chr2-178562835-G-T. GRCh37 (hg19) VCF-style: chr2-179427562-G-T.
Other names: c.78374C>A, p.Ser26125Ter (NM_001256850.1); c.56102C>A, p.Ser18701Ter (NM_003319.4); c.75593C>A, p.Ser25198Ter (NM_133378.4); c.56477C>A, p.Ser18826Ter (NM_133432.3); c.56678C>A, p.Ser18893Ter (NM_133437.4); short protein forms S25198*, S18701*, S18893*, S26125*, S18826*, S27766*.
Identifiers: ClinVar variation 2125440 (VCV002125440.4), dbSNP rs2468137966, ClinGen allele CA349568426.

ClinVar aggregate classification (germline): Likely pathogenic (1 of 4 stars; one submission).

Conditions:
Dilated cardiomyopathy 1G (CMD1G). Identifiers: Orphanet 154, MedGen C1858763, MONDO:0011400, OMIM 604145.
Autosomal recessive limb-girdle muscular dystrophy type 2J (LGMDR10). Also called: Limb-girdle muscular dystrophy, type 2J; MUSCULAR DYSTROPHY, LIMB-GIRDLE, AUTOSOMAL RECESSIVE 10. Identifiers: Orphanet 140922, MedGen C1837342, MONDO:0012127, OMIM 608807.

Submission:

Labcorp Genetics (formerly Invitae), Labcorp
Classification: Likely pathogenic for Dilated cardiomyopathy 1G; Autosomal recessive limb-girdle muscular dystrophy type 2J. Last evaluated: 2022-04-12. Review status: criteria provided, single submitter. Criteria: Invitae Variant Classification Sherloc (09022015). Collection method: clinical testing. Allele origin: germline.
Comment: In summary, the currently available evidence indicates that the variant is pathogenic, but additional data are needed to prove that conclusively. Therefore, this variant has been classified as Likely Pathogenic. This variant is located in the A band of TTN (PMID: 25589632). Truncating variants in this region are significantly overrepresented in patients affected with dilated cardiomyopathy (PMID: 25589632). Truncating variants in this region have also been reported in individuals affected with autosomal recessive centronuclear myopathy (PMID: 23975875). This variant has not been reported in the literature in individuals affected with TTN-related conditions. This variant is not present in population databases (gnomAD no frequency). This sequence change creates a premature translational stop signal (p.Ser27766*) in the TTN gene. While this is not anticipated to result in nonsense mediated decay, it is expected to create a truncated TTN protein.

Literature cited by the submitters: PubMed 25589632; PubMed 23975875.